The following is an entry in ClinVar:

ClinVar aggregate classification (germline): Uncertain significance (1 of 4 stars; one submission).

Conditions:
Cardiomyopathy (CMYO). Also called: Cardiomyopathies. Identifiers: Orphanet 167848, MedGen C0878544, MONDO:0004994, HP:0001638. Inheritance: Various modes of inheritance.

Submission:

Color Diagnostics, LLC DBA Color Health
Classification: Uncertain significance for Cardiomyopathy. Last evaluated: 2019-11-24. Review status: criteria provided, single submitter. Criteria: ACMG Guidelines, 2015. Collection method: clinical testing. Allele origin: germline.
Comment: This variant inserts 1 nucleotide in exon 5 of the TNNI3 gene, creating a frameshift and premature translation stop signal. This variant is expected to result in an absent or non-functional protein product. Splice site prediction tools suggest that this variant may not impact RNA splicing. To our knowledge, functional studies have not been performed for this variant. This variant has not been reported in individuals affected with cardiovascular disorders in the literature. This variant has not been identified in the general population by the Genome Aggregation Database (gnomAD). Clinical significance of loss-of-function truncation and splice variants in the TNNI3 gene is not clearly established. The available evidence is insufficient to determine the role of this variant in disease conclusively. Therefore, this variant is classified as a Variant of Uncertain Significance.

NM_000363.5(TNNI3):c.235_236insT (p.Arg79fs)

Gene: TNNI3 (troponin I3, cardiac type; minus strand). Cytogenetic location: 19q13.42.
Variant type: Insertion.
Coding change: c.235_236insT on transcript NM_000363.5 (MANE Select); coding-DNA positions 235 to 236, T inserted.
Protein change: p.Arg79fs; shifts the reading frame from arginine 79.
Molecular consequence: frameshift variant.
Genome position: GRCh38 VCF-style: chr19-55156247-C-CA. GRCh37 (hg19) VCF-style: chr19-55667615-C-CA.
Other names: short protein forms R79fs.
Identifiers: ClinVar variation 928103 (VCV000928103.3), dbSNP rs2085728638, ClinGen allele CA1139666608.